The following is an entry in ClinVar:

NM_005333.5(HCCS):c.727C>G (p.Leu243Val)

Gene: HCCS (holocytochrome c synthase; plus strand). Cytogenetic location: Xp22.2.
Variant type: single nucleotide variant.
Coding change: c.727C>G on transcript NM_005333.5 (MANE Select); coding-DNA position 727, C replaced by G.
Protein change: p.Leu243Val; replaces leucine 243 with valine.
Molecular consequence: missense variant.
Genome position (GRCh38, 1-based): chrX:11,121,730, C>G. VCF-style: chrX-11121730-C-G. GRCh37 (hg19) VCF-style: chrX-11139850-C-G.
Other names: c.727C>G, p.Leu243Val (NM_001122608.3, NM_001171991.3); short protein forms L243V.
Identifiers: ClinVar variation 3657915 (VCV003657915.2).

ClinVar aggregate classification (germline): Uncertain significance (1 of 4 stars; one submission).

Submission:

Labcorp Genetics (formerly Invitae), Labcorp
Classification: Uncertain significance. Last evaluated: 2025-01-06. Review status: criteria provided, single submitter. Criteria: Invitae Variant Classification Sherloc (09022015). Collection method: clinical testing. Allele origin: germline.
Comment: This sequence change replaces leucine, which is neutral and non-polar, with valine, which is neutral and non-polar, at codon 243 of the HCCS protein (p.Leu243Val). This variant is not present in population databases (gnomAD no frequency). This variant has not been reported in the literature in individuals affected with HCCS-related conditions. Invitae Evidence Modeling of protein sequence and biophysical properties (such as structural, functional, and spatial information, amino acid conservation, physicochemical variation, residue mobility, and thermodynamic stability) indicates that this missense variant is not expected to disrupt HCCS protein function with a negative predictive value of 80%. In summary, the available evidence is currently insufficient to determine the role of this variant in disease. Therefore, it has been classified as a Variant of Uncertain Significance.